The following is an entry in ClinVar:

NM_139027.6(ADAMTS13):c.2524G>A (p.Val842Met)

Gene: ADAMTS13 (ADAM metallopeptidase with thrombospondin type 1 motif 13; plus strand). Cytogenetic location: 9q34.2.
Variant type: single nucleotide variant.
Coding change: c.2524G>A on transcript NM_139027.6 (MANE Select); coding-DNA position 2524, G replaced by A.
Protein change: p.Val842Met; replaces valine 842 with methionine.
Molecular consequence: missense variant. On other transcripts: non-coding transcript variant (1).
Genome position (GRCh38, 1-based): chr9:133,444,966, G>A. VCF-style: chr9-133444966-G-A. GRCh37 (hg19) VCF-style: chr9-136310087-G-A.
Other names: p.Val842Met; c.2524G>A, p.Val842Met (NM_139025.5); c.2431G>A, p.Val811Met (NM_139026.6); short protein forms V811M, V842M.
Identifiers: ClinVar variation 2683079 (VCV002683079.1), dbSNP rs2491299538, ClinGen allele CA375399965.
Genomic context (GRCh38, chr9:133,444,966, plus strand): 5'-GCAGGCCTGGCCTTGGAGAACGAGACCTGTGTGCCAGGGGCAGATGGCCTGGAGGCTCCA[G>A]TGACTGAGGGGCCTGGCTCCGTAGATGAGAAGCTGCCTGCCCCTGAGCCCTGTGTCGGGA-3'
Protein context (NP_620596.2, residues 832-852): VPGADGLEAP[Val842Met]TEGPGSVDEK

ClinVar aggregate classification (germline): Uncertain significance (1 of 4 stars; one submission).

Submission:

Mayo Clinic Laboratories, Mayo Clinic
Classification: Uncertain significance. Last evaluated: 2023-01-30. Review status: criteria provided, single submitter. Criteria: ACMG Guidelines, 2015. Collection method: clinical testing. Allele origin: germline. Observed: 1 variant allele.
Comment: BP4, PM2_supporting